The following is an entry in ClinVar:

ClinVar aggregate classification (germline): Benign (1 of 4 stars; one submission).

Conditions:
Cenani-Lenz syndactyly syndrome. Also called: CENANI SYNDACTYLISM; SYNDACTYLY, TYPE VII. Identifiers: Orphanet 3258, MedGen C1859309, MONDO:0008931, OMIM 212780.

Allele frequency attached by ClinVar (database versions not stated): 1000 Genomes Project 0.01018; 1000 Genomes Project 30x 0.01031; gnomAD 0.01194 and 0.01226; TOPMed 0.01238.

Submission:

Illumina Laboratory Services, Illumina
Classification: Benign for Cenani-Lenz syndactyly syndrome. Last evaluated: 2017-04-27. Review status: criteria provided, single submitter. Criteria: ICSL Variant Classification Criteria 13 December 2019. Collection method: clinical testing. Allele origin: germline.
Comment: This variant was observed as part of a predisposition screen in an ostensibly healthy population. A literature search was performed for the gene, cDNA change, and amino acid change (where applicable). No publications were found based on this search. Allele frequency data from public databases was too high to be consistent with this variant causing disease. Therefore, this variant is classified as benign.

NM_002334.4(LRP4):c.*1445A>G

Genes: LRP4 (LDL receptor related protein 4; minus strand), LRP4-AS1 (LRP4 antisense RNA 1; plus strand). Cytogenetic location: 11p11.2.
Variant type: single nucleotide variant.
Coding change: c.*1445A>G on transcript NM_002334.4 (MANE Select); 1445 bases downstream of the stop codon, A replaced by G.
Molecular consequence: 3 prime UTR variant.
Genome position (GRCh38, 1-based): chr11:46,857,538, T>C on the plus strand (A>G on the coding strand, the complement: LRP4 is on the minus strand). VCF-style: chr11-46857538-T-C. GRCh37 (hg19) VCF-style: chr11-46879089-T-C.
Identifiers: ClinVar variation 879793 (VCV000879793.4), dbSNP rs75558883, ClinGen allele CA221658385.
Genomic context (GRCh38, chr11:46,857,538, plus strand): 5'-GTCTGGGTCTGCCATGGGCTAGGAGGGCCTCATCAGTGGTGCTCTCTACCTTCCTACTCC[T>C]TACCCACCTCTTTGTATTTTTATTTATTCAGCCCTCCCACCACAGGACTTTGGAGATTGC-3'